The following is an entry in ClinVar:

ClinVar aggregate classification (germline): Uncertain significance. Review status: criteria provided, multiple submitters, no conflicts (2 of 4 stars). 2 submissions from 2 submitters: Uncertain significance (2). Last evaluated 2025-02-26.

Conditions:
Inborn genetic diseases. Identifiers: MedGen C0950123, MeSH D030342.
Multiple congenital exostosis (EXT). Also called: MULTIPLE CARTILAGINOUS EXOSTOSES; Hereditary multiple exostoses; Hereditary multiple exostosis; Multiple exostoses; Multiple osteochondromas; Hereditary multiple osteochondromas. Identifiers: Orphanet 321, MedGen C0015306, MONDO:0005508, HP:0002762.

Allele frequency attached by ClinVar (database versions not stated): gnomAD exomes below 0.00001; gnomAD 0.00001; TOPMed 0.00002.
gnomAD v4.1: 3 of 1,614,066 alleles (0.00019%); highest among the groups gnomAD compares: South Asian, 0.0011%; no homozygotes.

Submissions (2):

Ambry Genetics
Classification: Uncertain significance for Inborn genetic diseases. Last evaluated: 2025-02-26. Review status: criteria provided, single submitter. Criteria: Ambry Variant Classification Scheme 2023. Collection method: clinical testing. Allele origin: germline.

Labcorp Genetics (formerly Invitae), Labcorp
Classification: Uncertain significance for Multiple congenital exostosis. Last evaluated: 2024-03-06. Review status: criteria provided, single submitter. Criteria: Invitae Variant Classification Sherloc (09022015). Collection method: clinical testing. Allele origin: germline.
Comment: This sequence change replaces aspartic acid, which is acidic and polar, with asparagine, which is neutral and polar, at codon 615 of the EXT1 protein (p.Asp615Asn). This variant is present in population databases (no rsID available, gnomAD 0.004%). This variant has not been reported in the literature in individuals affected with EXT1-related conditions. ClinVar contains an entry for this variant (Variation ID: 1444931). Advanced modeling of protein sequence and biophysical properties (such as structural, functional, and spatial information, amino acid conservation, physicochemical variation, residue mobility, and thermodynamic stability) performed at Invitae indicates that this missense variant is not expected to disrupt EXT1 protein function with a negative predictive value of 80%. In summary, the available evidence is currently insufficient to determine the role of this variant in disease. Therefore, it has been classified as a Variant of Uncertain Significance.

NM_000127.3(EXT1):c.1843G>A (p.Asp615Asn)

Gene: EXT1 (exostosin glycosyltransferase 1; minus strand). Cytogenetic location: 8q24.11.
Variant type: single nucleotide variant.
Coding change: c.1843G>A on transcript NM_000127.3 (MANE Select); coding-DNA position 1843, G replaced by A.
Protein change: p.Asp615Asn; replaces aspartic acid 615 with asparagine.
Molecular consequence: missense variant.
Genome position (GRCh38, 1-based): chr8:117,807,257, C>T on the plus strand (G>A on the coding strand, the complement: EXT1 is on the minus strand). VCF-style: chr8-117807257-C-T. GRCh37 (hg19) VCF-style: chr8-118819496-C-T.
Other names: c.1843G>A (NM_000127.2); short protein forms D615N.
Identifiers: ClinVar variation 1444931 (VCV001444931.7), dbSNP rs1252579899, ClinGen allele CA371878039.
Genomic context (GRCh38, chr8:117,807,257, plus strand): 5'-GACATGTCCAGATTCCTCACTTGTGGTAAATAGCAGCTCCTGTCAACACCATGGAGTAGT[C>T]GTTCGTCCACTTTGATGTGTATCCCCACCGCTCCTTAGAGTTATCCCAGAAGTGGCTGCG-3'
Protein context (NP_000118.2, residues 605-625): RWGYTSKWTN[Asp615Asn]YSMVLTGAAI